The following is an entry in ClinVar:

NM_002618.4(PEX13):c.605G>A (p.Arg202Lys)

Gene: PEX13 (peroxisomal biogenesis factor 13; plus strand). Cytogenetic location: 2p15.
Variant type: single nucleotide variant.
Coding change: c.605G>A on transcript NM_002618.4 (MANE Select); coding-DNA position 605, G replaced by A.
Protein change: p.Arg202Lys; replaces arginine 202 with lysine.
Molecular consequence: missense variant.
Genome position (GRCh38, 1-based): chr2:61,031,931, G>A. VCF-style: chr2-61031931-G-A. GRCh37 (hg19) VCF-style: chr2-61259066-G-A.
Other names: short protein forms R202K.
Identifiers: ClinVar variation 940895 (VCV000940895.8), dbSNP rs1336466520, ClinGen allele CA346944015.

ClinVar aggregate classification (germline): Uncertain significance. Review status: criteria provided, multiple submitters, no conflicts (2 of 4 stars). 2 submissions from 2 submitters: Uncertain significance (2). Last evaluated 2025-07-15.

Conditions:
Peroxisome biogenesis disorder 11A (Zellweger). Also called: Peroxisome biogenesis disorder 11A. Identifiers: Orphanet 912, MedGen C3554000, MONDO:0013949, OMIM 614883.
Inborn genetic diseases. Identifiers: MedGen C0950123, MeSH D030342.

Allele frequency attached by ClinVar (database versions not stated): gnomAD exomes below 0.00001.

Submissions (2):

Ambry Genetics
Classification: Uncertain significance for Inborn genetic diseases. Last evaluated: 2025-07-15. Review status: criteria provided, single submitter. Criteria: Ambry Variant Classification Scheme 2023. Collection method: clinical testing. Allele origin: germline.

Labcorp Genetics (formerly Invitae), Labcorp
Classification: Uncertain significance for Peroxisome biogenesis disorder 11A (Zellweger). Last evaluated: 2021-08-26. Review status: criteria provided, single submitter. Criteria: Invitae Variant Classification Sherloc (09022015). Collection method: clinical testing. Allele origin: germline.
Comment: This sequence change replaces arginine with lysine at codon 202 of the PEX13 protein (p.Arg202Lys). The arginine residue is moderately conserved and there is a small physicochemical difference between arginine and lysine. This variant is not present in population databases (ExAC no frequency). This variant has not been reported in the literature in individuals affected with PEX13-related conditions. Algorithms developed to predict the effect of missense changes on protein structure and function (SIFT, PolyPhen-2, Align-GVGD) all suggest that this variant is likely to be tolerated. In summary, the available evidence is currently insufficient to determine the role of this variant in disease. Therefore, it has been classified as a Variant of Uncertain Significance.